The following is an entry in ClinVar:

NM_003737.4(DCHS1):c.5543C>G (p.Ala1848Gly)

Gene: DCHS1 (dachsous cadherin-related 1; minus strand). Cytogenetic location: 11p15.4.
Variant type: single nucleotide variant.
Coding change: c.5543C>G on transcript NM_003737.4 (MANE Select); coding-DNA position 5543, C replaced by G.
Protein change: p.Ala1848Gly; replaces alanine 1848 with glycine.
Molecular consequence: missense variant.
Genome position (GRCh38, 1-based): chr11:6,627,496, G>C on the plus strand (C>G on the coding strand, the complement: DCHS1 is on the minus strand). VCF-style: chr11-6627496-G-C. GRCh37 (hg19) VCF-style: chr11-6648727-G-C.
Other names: c.5543C>G (NM_003737.2); short protein forms A1848G.
Identifiers: ClinVar variation 1157170 (VCV001157170.13), dbSNP rs145373149, ClinGen allele CA5860068.

ClinVar aggregate classification (germline): Conflicting classifications of pathogenicity. Review status: criteria provided, conflicting classifications (1 of 4 stars). 3 submissions from 3 submitters: Uncertain significance (2); Likely benign (1). Last evaluated 2025-11-03.

Conditions:
Inborn genetic diseases. Identifiers: MedGen C0950123, MeSH D030342.

Allele frequency attached by ClinVar (database versions not stated): ExAC 0.00009; TOPMed 0.00028; 1000 Genomes Project 30x 0.00031; ESP Exome Variant Server 0.00031; gnomAD 0.00036 and 0.00038; 1000 Genomes Project 0.00040.
gnomAD v4.1: 89 of 1,611,714 alleles (0.0055%); highest among the groups gnomAD compares: African/African-American, 0.1%; no homozygotes.

Submissions (3):

Labcorp Genetics (formerly Invitae), Labcorp
Classification: Likely benign. Last evaluated: 2025-11-03. Review status: criteria provided, single submitter. Criteria: Invitae Variant Classification Sherloc (09022015). Collection method: clinical testing. Allele origin: germline.

GeneDx
Classification: Uncertain significance. Last evaluated: 2023-12-01. Review status: criteria provided, single submitter. Criteria: GeneDx Variant Classification Process June 2021. Collection method: clinical testing. Allele origin: germline. Affected: yes.
Comment: In silico analysis, which includes protein predictors and evolutionary conservation, supports that this variant does not alter protein structure/function; Has not been previously published as pathogenic or benign to our knowledge

Ambry Genetics
Classification: Uncertain significance for Inborn genetic diseases. Last evaluated: 2021-09-15. Review status: criteria provided, single submitter. Criteria: Ambry Variant Classification Scheme 2023. Collection method: clinical testing. Allele origin: germline.